The following is an entry in ClinVar:

ClinVar aggregate classification (germline): Benign/Likely benign. Review status: criteria provided, multiple submitters, no conflicts (2 of 4 stars). 2 submissions from 2 submitters: Benign (1); Likely benign (1). Last evaluated 2025-03-17.

Conditions:
Hereditary cancer-predisposing syndrome. Also called: Tumor predisposition; Neoplastic Syndromes, Hereditary; Hereditary Cancer Syndrome; Hereditary neoplastic syndrome. Identifiers: Orphanet 140162, MedGen C0027672, MeSH D009386, MONDO:0015356.
Pheochromocytoma/paraganglioma syndrome 1. Also called: PARAGANGLIOMATA; Paragangliomas 1; Glomus tumors familial 1; PARAGANGLIOMAS, FAMILIAL NONCHROMAFFIN, 1; PGL 1; Paragangliomas familial 1. Identifiers: Orphanet 29072, MedGen C3494181, MONDO:0008192, OMIM 168000.

Submissions (2):

Myriad Genetics, Inc.
Classification: Benign for Pheochromocytoma/paraganglioma syndrome 1. Last evaluated: 2025-03-17. Review status: criteria provided, single submitter. Criteria: Myriad Autosomal Dominant, Autosomal Recessive and X-Linked Classification Criteria (2023). Collection method: clinical testing. Allele origin: unknown.
Comment: This variant is considered benign. This variant is a silent/synonymous amino acid change and it is not expected to impact splicing.

Ambry Genetics
Classification: Likely benign for Hereditary cancer-predisposing syndrome. Last evaluated: 2021-07-12. Review status: criteria provided, single submitter. Criteria: Ambry Variant Classification Scheme 2023. Collection method: clinical testing. Allele origin: germline.

NM_003002.4(SDHD):c.21G>C (p.Leu7=)

Genes: SDHD (succinate dehydrogenase complex subunit D; plus strand), LOC126861339 (BRD4-independent group 4 enhancer GRCh37_chr11:111957035-111958234; plus strand). Cytogenetic location: 11q23.1.
Variant type: single nucleotide variant.
Coding change: c.21G>C on transcript NM_003002.4 (MANE Select); coding-DNA position 21, G replaced by C.
Protein change: p.Leu7=; no amino-acid change (leucine 7 retained).
Molecular consequence: synonymous variant. On other transcripts: non-coding transcript variant (1).
Genome position (GRCh38, 1-based): chr11:112,086,928, G>C. VCF-style: chr11-112086928-G-C. GRCh37 (hg19) VCF-style: chr11-111957652-G-C.
Other names: c.21G>C, p.Leu7= (NM_001276503.2, NM_001276504.2, NM_001276506.2).
Identifiers: ClinVar variation 1787614 (VCV001787614.3), dbSNP rs974401612, ClinGen allele CA476789074.